The following is an entry in ClinVar:

NM_001849.4(COL6A2):c.1039G>A (p.Asp347Asn)

Gene: COL6A2 (collagen type VI alpha 2 chain; plus strand). Cytogenetic location: 21q22.3.
Variant type: single nucleotide variant.
Coding change: c.1039G>A on transcript NM_001849.4 (MANE Select); coding-DNA position 1039, G replaced by A.
Protein change: p.Asp347Asn; replaces aspartic acid 347 with asparagine.
Molecular consequence: missense variant.
Genome position (GRCh38, 1-based): chr21:46,117,439, G>A. VCF-style: chr21-46117439-G-A. GRCh37 (hg19) VCF-style: chr21-47537353-G-A.
Other names: c.1039G>A, p.Asp347Asn (NM_058174.3, NM_058175.3); short protein forms D347N.
Identifiers: ClinVar variation 2085578 (VCV002085578.4), dbSNP rs1022416417, ClinGen allele CA321964067.

ClinVar aggregate classification (germline): Uncertain significance (1 of 4 stars; one submission).

Conditions:
Bethlem myopathy 1A. Also called: MYOPATHY, BENIGN CONGENITAL, WITH CONTRACTURES; Bethlem myopathy 1; Bethlem Muscular Dystrophy. Identifiers: Orphanet 610, MedGen CN029274, MONDO:0024530, OMIM 158810.

Allele frequency attached by ClinVar (database versions not stated): gnomAD exomes below 0.00001; gnomAD 0.00001; TOPMed 0.00002.

Submission:

Labcorp Genetics (formerly Invitae), Labcorp
Classification: Uncertain significance for Bethlem myopathy 1A. Last evaluated: 2022-02-08. Review status: criteria provided, single submitter. Criteria: Invitae Variant Classification Sherloc (09022015). Collection method: clinical testing. Allele origin: germline.
Comment: In summary, the available evidence is currently insufficient to determine the role of this variant in disease. Therefore, it has been classified as a Variant of Uncertain Significance. Advanced modeling of protein sequence and biophysical properties (such as structural, functional, and spatial information, amino acid conservation, physicochemical variation, residue mobility, and thermodynamic stability) performed at Invitae indicates that this missense variant is not expected to disrupt COL6A2 protein function. This variant has not been reported in the literature in individuals affected with COL6A2-related conditions. This variant is not present in population databases (gnomAD no frequency). This sequence change replaces aspartic acid, which is acidic and polar, with asparagine, which is neutral and polar, at codon 347 of the COL6A2 protein (p.Asp347Asn).